The following is an entry in ClinVar:

ClinVar aggregate classification (germline): Benign (0 of 4 stars; one submission).

Conditions:
FDFT1-related disorder. Also called: FDFT1-related condition.

Allele frequency attached by ClinVar (database versions not stated): TOPMed 0.56966; 1000 Genomes Project 30x 0.57386; gnomAD 0.58050; 1000 Genomes Project 0.58107; gnomAD exomes 0.65788.
gnomAD v4.1: 792,430 of 1,223,746 alleles (65%); highest among the groups gnomAD compares: East Asian, 70%; 259,937 homozygotes.

Submission:

PreventionGenetics, part of Exact Sciences
Classification: Benign for FDFT1-related condition. Last evaluated: 2020-11-25. Review status: no assertion criteria provided. Collection method: clinical testing. Allele origin: germline.
Comment: This variant is classified as benign based on ACMG/AMP sequence variant interpretation guidelines (Richards et al. 2015 PMID: 25741868, with internal and published modifications).

NM_004462.5(FDFT1):c.100-498C>T

Gene: FDFT1 (farnesyl-diphosphate farnesyltransferase 1). Cytogenetic location: 8p23.1.
Variant type: single nucleotide variant.
Coding change: c.100-498C>T on transcript NM_004462.5 (MANE Select); 498 bases into the intron before coding-DNA position 100, C replaced by T.
Molecular consequence: intron variant. On other transcripts: 5 prime UTR variant (1).
Genome position (GRCh38, 1-based): chr8:11,808,296, C>T. VCF-style: chr8-11808296-C-T. GRCh37 (hg19) VCF-style: chr8-11665805-C-T.
Other names: c.-115C>T (NM_001287749.2); c.100-498C>T (NM_001287742.2, NM_001287743.2); c.-93-498C>T (NM_001287744.2, NM_001287745.2, NM_001287747.2 and 1 more transcripts); c.64+5386C>T (NM_001287756.2).
Identifiers: ClinVar variation 3054358 (VCV003054358.2), dbSNP rs1736070, ClinGen allele CA12805732.
Genomic context (GRCh38, chr8:11,808,296, plus strand): 5'-GGTCTAGGGAGACTCTGTCACTGGGAGGACGAGCGAGCCGCTCGGAAGTGCGCTGGGTTC[C>T]CTTAGCGGCCAGTGGGTTCTGGTGAGAAGGGCAACAGCGGGAGGAGGCGCCGGTGCGGAG-3'